The following is an entry in ClinVar:

ClinVar aggregate classification (germline): Uncertain significance (1 of 4 stars; one submission).

Conditions:
Cardiovascular phenotype. Identifiers: MedGen CN230736.

Allele frequency attached by ClinVar (database versions not stated): gnomAD exomes below 0.00001.
gnomAD v4.1: 1 of 1,614,106 alleles (0.000062%); highest among the groups gnomAD compares: Non-Finnish European, 0.000085%; no homozygotes.

Submission:

Ambry Genetics
Classification: Uncertain significance for Cardiovascular phenotype. Last evaluated: 2024-03-05. Review status: criteria provided, single submitter. Criteria: Ambry Variant Classification Scheme 2023. Collection method: clinical testing. Allele origin: germline.
Comment: The p.V1714D variant (also known as c.5141T>A), located in coding exon 27 of the SCN10A gene, results from a T to A substitution at nucleotide position 5141. The valine at codon 1714 is replaced by aspartic acid, an amino acid with highly dissimilar properties. This amino acid position is conserved. In addition, this alteration is predicted to be deleterious by in silico analysis. Based on the available evidence, the clinical significance of this alteration remains unclear.

NM_006514.4(SCN10A):c.5141T>A (p.Val1714Asp)

Gene: SCN10A (sodium voltage-gated channel alpha subunit 10; minus strand). Cytogenetic location: 3p22.2.
Variant type: single nucleotide variant.
Coding change: c.5141T>A on transcript NM_006514.4 (MANE Select); coding-DNA position 5141, T replaced by A.
Protein change: p.Val1714Asp; replaces valine 1714 with aspartic acid.
Molecular consequence: missense variant.
Genome position (GRCh38, 1-based): chr3:38,698,079, A>T on the plus strand (T>A on the coding strand, the complement: SCN10A is on the minus strand). VCF-style: chr3-38698079-A-T. GRCh37 (hg19) VCF-style: chr3-38739570-A-T.
Other names: c.5138T>A, p.Val1713Asp (NM_001293306.2); c.4847T>A, p.Val1616Asp (NM_001293307.2); short protein forms V1616D, V1713D, V1714D.
Identifiers: ClinVar variation 3225679 (VCV003225679.1), dbSNP rs2470552734, ClinGen allele CA352154421.